The following is an entry in ClinVar:

NM_001166108.2(PALLD):c.2079C>G (p.Asp693Glu)

Gene: PALLD (palladin, cytoskeletal associated protein; plus strand). Cytogenetic location: 4q32.3.
Variant type: single nucleotide variant.
Coding change: c.2079C>G on transcript NM_001166108.2 (MANE Select); coding-DNA position 2079, C replaced by G.
Protein change: p.Asp693Glu; replaces aspartic acid 693 with glutamic acid.
Molecular consequence: missense variant. On other transcripts: 5 prime UTR variant (4).
Genome position (GRCh38, 1-based): chr4:168,891,036, C>G. VCF-style: chr4-168891036-C-G. GRCh37 (hg19) VCF-style: chr4-169812187-C-G.
Other names: c.933C>G, p.Asp311Glu (NM_001166109.2); c.618C>G, p.Asp206Glu (NM_001166110.2); c.-43C>G (NM_001367567.1, NM_001367568.1, NM_001367569.1 and 1 more transcripts); c.2079C>G, p.Asp693Glu (NM_016081.4); short protein forms D311E, D693E, D206E.
Identifiers: ClinVar variation 2448505 (VCV002448505.2), dbSNP rs768381767, ClinGen allele CA3135812.

ClinVar aggregate classification (germline): Uncertain significance (1 of 4 stars; one submission).

Allele frequency attached by ClinVar (database versions not stated): gnomAD exomes below 0.00001; ExAC 0.00001.
gnomAD v4.1: 1 of 1,614,130 alleles (0.000062%); highest among the groups gnomAD compares: Admixed American, 0.0017%; no homozygotes.

Submission:

Ambry Genetics
Classification: Uncertain significance. Last evaluated: 2023-02-28. Review status: criteria provided, single submitter. Criteria: Ambry Variant Classification Scheme 2023. Collection method: clinical testing. Allele origin: germline.
Comment: The p.D693E variant (also known as c.2079C>G), located in coding exon 10 of the PALLD gene, results from a C to G substitution at nucleotide position 2079. The aspartic acid at codon 693 is replaced by glutamic acid, an amino acid with highly similar properties. This amino acid position is conserved. In addition, this alteration is predicted to be tolerated by in silico analysis. Since supporting evidence is limited at this time, the clinical significance of this alteration remains unclear.